The following is an entry in ClinVar:

ClinVar aggregate classification (germline): Uncertain significance. Review status: criteria provided, multiple submitters, no conflicts (2 of 4 stars). 2 submissions from 2 submitters: Uncertain significance (2). Last evaluated 2024-12-18.

Conditions:
Neuroblastoma, susceptibility to, 3. Also called: ALK-Related Neuroblastic Tumor Susceptibility. Identifiers: Orphanet 635, MedGen C2751681, MONDO:0013083, OMIM 613014.
Hereditary cancer-predisposing syndrome. Also called: Tumor predisposition; Neoplastic Syndromes, Hereditary; Hereditary Cancer Syndrome; Hereditary neoplastic syndrome. Identifiers: Orphanet 140162, MedGen C0027672, MeSH D009386, MONDO:0015356.

Submissions (2):

Labcorp Genetics (formerly Invitae), Labcorp
Classification: Uncertain significance for Neuroblastoma, susceptibility to, 3. Last evaluated: 2024-12-18. Review status: criteria provided, single submitter. Criteria: Invitae Variant Classification Sherloc (09022015). Collection method: clinical testing. Allele origin: germline.
Comment: This sequence change replaces glutamic acid, which is acidic and polar, with glutamine, which is neutral and polar, at codon 265 of the ALK protein (p.Glu265Gln). This variant is not present in population databases (gnomAD no frequency). This variant has not been reported in the literature in individuals affected with ALK-related conditions. ClinVar contains an entry for this variant (Variation ID: 2586683). An algorithm developed to predict the effect of missense changes on protein structure and function (PolyPhen-2) suggests that this variant is likely to be disruptive. In summary, the available evidence is currently insufficient to determine the role of this variant in disease. Therefore, it has been classified as a Variant of Uncertain Significance.

Ambry Genetics
Classification: Uncertain significance for Hereditary cancer-predisposing syndrome. Last evaluated: 2023-07-10. Review status: criteria provided, single submitter. Criteria: Ambry Variant Classification Scheme 2023. Collection method: clinical testing. Allele origin: germline.
Comment: The p.E265Q variant (also known as c.793G>C), located in coding exon 3 of the ALK gene, results from a G to C substitution at nucleotide position 793. The glutamic acid at codon 265 is replaced by glutamine, an amino acid with highly similar properties. This amino acid position is conserved. In addition, this alteration is predicted to be tolerated by in silico analysis. Since supporting evidence is limited at this time, the clinical significance of this alteration remains unclear.

NM_004304.5(ALK):c.793G>C (p.Glu265Gln)

Gene: ALK (ALK receptor tyrosine kinase; minus strand). Cytogenetic location: 2p23.2.
Variant type: single nucleotide variant.
Coding change: c.793G>C on transcript NM_004304.5 (MANE Select); coding-DNA position 793, G replaced by C.
Protein change: p.Glu265Gln; replaces glutamic acid 265 with glutamine.
Molecular consequence: missense variant.
Genome position (GRCh38, 1-based): chr2:29,695,009, C>G on the plus strand (G>C on the coding strand, the complement: ALK is on the minus strand). VCF-style: chr2-29695009-C-G. GRCh37 (hg19) VCF-style: chr2-29917875-C-G.
Other names: short protein forms E265Q.
Identifiers: ClinVar variation 2586683 (VCV002586683.4), dbSNP rs543234312, ClinGen allele CA44976852.
Genomic context (GRCh38, chr2:29,695,009, plus strand): 5'-TCCTGAGGTCATGCAGTGGAGGGGAATACTCCAGCTCACAGGGGAAGTCAAAGCTGCACT[C>G]CAGACCTGCAATAATAGCCAAGGGTCAATGGAAAAAACCATTTCCCAAACGTGACTTTTC-3'
Protein context (NP_004295.2, residues 255-275): FLSHRSRYGL[Glu265Gln]CSFDFPCELE